The following is an entry in ClinVar:

ClinVar aggregate classification (germline): Uncertain significance (1 of 4 stars; one submission).

Submission:

GeneDx
Classification: Uncertain significance. Last evaluated: 2024-07-17. Review status: criteria provided, single submitter. Criteria: GeneDx Variant Classification Process June 2021. Collection method: clinical testing. Allele origin: germline. Affected: yes.
Comment: Not observed at significant frequency in large population cohorts (gnomAD); In silico analysis supports that this missense variant has a deleterious effect on protein structure/function; Has not been previously published as pathogenic or benign to our knowledge

NM_012199.5(AGO1):c.1796C>G (p.Pro599Arg)

Gene: AGO1 (argonaute RISC component 1; plus strand). Cytogenetic location: 1p34.3.
Variant type: single nucleotide variant.
Coding change: c.1796C>G on transcript NM_012199.5 (MANE Select); coding-DNA position 1796, C replaced by G.
Protein change: p.Pro599Arg; replaces proline 599 with arginine.
Molecular consequence: missense variant.
Genome position (GRCh38, 1-based): chr1:35,914,237, C>G. VCF-style: chr1-35914237-C-G. GRCh37 (hg19) VCF-style: chr1-36379838-C-G.
Other names: c.1796C>G, p.Pro599Arg (NM_001317122.2); c.1571C>G, p.Pro524Arg (NM_001317123.2); short protein forms P524R, P599R.
Identifiers: ClinVar variation 3573870 (VCV003573870.1).